The following is an entry in ClinVar:

ClinVar aggregate classification (germline): Uncertain significance (1 of 4 stars; one submission).

Conditions:
Hereditary cancer-predisposing syndrome. Also called: Tumor predisposition; Hereditary neoplastic syndrome; Hereditary Cancer Syndrome; Neoplastic Syndromes, Hereditary. Identifiers: Orphanet 140162, MedGen C0027672, MeSH D009386, MONDO:0015356.

Submission:

Ambry Genetics
Classification: Uncertain significance for Hereditary cancer-predisposing syndrome. Last evaluated: 2025-05-01. Review status: criteria provided, single submitter. Criteria: Ambry Variant Classification Scheme 2023. Collection method: clinical testing. Allele origin: germline.
Comment: The p.V687I variant (also known as c.2059G>A), located in coding exon 13 of the RAD50 gene, results from a G to A substitution at nucleotide position 2059. The valine at codon 687 is replaced by isoleucine, an amino acid with highly similar properties. This amino acid position is conserved. In addition, this alteration is predicted to be tolerated by in silico analysis. Based on the available evidence, the clinical significance of this variant remains unclear.

NM_005732.4(RAD50):c.2059G>A (p.Val687Ile)

Gene: RAD50 (RAD50 double strand break repair protein; plus strand). Cytogenetic location: 5q31.1.
Variant type: single nucleotide variant.
Coding change: c.2059G>A on transcript NM_005732.4 (MANE Select); coding-DNA position 2059, G replaced by A.
Protein change: p.Val687Ile; replaces valine 687 with isoleucine.
Molecular consequence: missense variant.
Genome position (GRCh38, 1-based): chr5:132,595,662, G>A. VCF-style: chr5-132595662-G-A. GRCh37 (hg19) VCF-style: chr5-131931354-G-A.
Other names: short protein forms V687I.
Identifiers: ClinVar variation 3942179 (VCV003942179.1).
Genomic context (GRCh38, chr5:132,595,662, plus strand): 5'-TCCCAGTTCATTACTCAGCTAACAGACGAAAACCAGTCATGTTGCCCCGTTTGTCAGAGA[G>A]TTTTTCAGACAGAGGCTGAGTTACAAGAAGTCATCAGTGATTTGCAGTCTAAACTGCGAC-3'
Protein context (NP_005723.2, residues 677-697): NQSCCPVCQR[Val687Ile]FQTEAELQEV